The following is an entry in ClinVar:

NM_203447.4(DOCK8):c.1139T>C (p.Ile380Thr)

Gene: DOCK8 (dedicator of cytokinesis 8; plus strand). Cytogenetic location: 9p24.3.
Variant type: single nucleotide variant.
Coding change: c.1139T>C on transcript NM_203447.4 (MANE Select); coding-DNA position 1139, T replaced by C.
Protein change: p.Ile380Thr; replaces isoleucine 380 with threonine.
Molecular consequence: missense variant.
Genome position (GRCh38, 1-based): chr9:334,238, T>C. VCF-style: chr9-334238-T-C. GRCh37 (hg19) VCF-style: chr9-334238-T-C.
Other names: c.935T>C, p.Ile312Thr (NM_001190458.2, NM_001193536.2); short protein forms I312T, I380T.
Identifiers: ClinVar variation 2050111 (VCV002050111.2), dbSNP rs577932942, ClinGen allele CA4957632.
Genomic context (GRCh38, chr9:334,238, plus strand): 5'-TTGGTGCTGATGCTTGTTTCAGCTTGTTTCTTTCCATTTTCCTCCAGAGTAAAGAAAAGA[T>C]TGAAAAACTAAAACTCCAAGCTGAATCCTTCTGCCAGCGTTTGGGGAAATACCGGATGCC-3'
Protein context (NP_982272.2, residues 370-390): ESDGGKSKEK[Ile380Thr]EKLKLQAESF

ClinVar aggregate classification (germline): Uncertain significance (1 of 4 stars; one submission).

Conditions:
Combined immunodeficiency due to DOCK8 deficiency (HIES2). Also called: HIES autosomal recessive; HYPER-IgE SYNDROME 2, AUTOSOMAL RECESSIVE, WITH RECURRENT INFECTIONS; Hyper-IgE recurrent infection syndrome, autosomal recessive; DOCK8 Deficiency; HYPER-IgE RECURRENT INFECTION SYNDROME 2, AUTOSOMAL RECESSIVE. Identifiers: Orphanet 217390, MedGen C4722305, MONDO:0009478, OMIM 243700.

Allele frequency attached by ClinVar (database versions not stated): ExAC 0.00002.

Submission:

Labcorp Genetics (formerly Invitae), Labcorp
Classification: Uncertain significance for Combined immunodeficiency due to DOCK8 deficiency. Last evaluated: 2025-12-30. Review status: criteria provided, single submitter. Criteria: Invitae Variant Classification Sherloc (09022015). Collection method: clinical testing. Allele origin: germline.
Comment: This sequence change replaces isoleucine, which is neutral and non-polar, with threonine, which is neutral and polar, at codon 380 of the DOCK8 protein (p.Ile380Thr). This variant is present in population databases (rs577932942, gnomAD 0.005%). This variant has not been reported in the literature in individuals affected with DOCK8-related conditions. ClinVar contains an entry for this variant (Variation ID: 2050111). Invitae Evidence Modeling of protein sequence and biophysical properties (such as structural, functional, and spatial information, amino acid conservation, physicochemical variation, residue mobility, and thermodynamic stability) indicates that this missense variant is not expected to disrupt DOCK8 protein function with a negative predictive value of 80%. In summary, the available evidence is currently insufficient to determine the role of this variant in disease. Therefore, it has been classified as a Variant of Uncertain Significance.